The following is an entry in ClinVar:

NM_033380.3(COL4A5):c.4015+5T>C

Gene: COL4A5 (collagen type IV alpha 5 chain; plus strand). Cytogenetic location: Xq22.3.
Variant type: single nucleotide variant.
Coding change: c.4015+5T>C on transcript NM_033380.3 (MANE Select); 5 bases into the intron after coding-DNA position 4015, T replaced by C.
Molecular consequence: intron variant.
Genome position (GRCh38, 1-based): chrX:108,680,756, T>C. VCF-style: chrX-108680756-T-C. GRCh37 (hg19) VCF-style: chrX-107923986-T-C.
Other names: c.3997+5T>C (NM_000495.5).
Identifiers: ClinVar variation 772029 (VCV000772029.16), dbSNP rs190856675, ClinGen allele CA10489261.

ClinVar aggregate classification (germline): Benign/Likely benign. Review status: criteria provided, multiple submitters, no conflicts (2 of 4 stars). 6 submissions from 6 submitters: Benign (1); Likely benign (3). 2 of the submissions do not count toward it. Last evaluated 2026-01-16.

Conditions:
COL4A5-related disorder. Also called: COL4A5-related condition.
X-linked Alport syndrome (ATS1). Also called: NEPHROPATHY AND DEAFNESS, X-LINKED; COL4A5-Related Nephropathy. Identifiers: Orphanet 63, Orphanet 88917, MedGen C4746986, MONDO:0010520, OMIM 301050.

Allele frequency attached by ClinVar (database versions not stated): ESP Exome Variant Server 0.00047; 1000 Genomes Project 0.00053; gnomAD 0.00020 and 0.00019; TOPMed 0.00026; 1000 Genomes Project 30x 0.00042; gnomAD exomes 0.00002 and 0.00007; ExAC 0.00013.
gnomAD v4.1: 43 of 1,205,418 alleles (0.0036%); highest among the groups gnomAD compares: African/African-American, 0.056%; no homozygotes.

Submissions (6):

Labcorp Genetics (formerly Invitae), Labcorp
Classification: Benign. Last evaluated: 2026-01-16. Review status: criteria provided, single submitter. Criteria: Invitae Variant Classification Sherloc (09022015). Collection method: clinical testing. Allele origin: germline.

Blueprint Genetics
Classification: Likely benign. Last evaluated: 2024-02-23. Review status: criteria provided, single submitter. Criteria: ACMG Guidelines, 2015. Collection method: clinical testing. Allele origin: germline.

Fulgent Genetics
Classification: Likely benign for X-linked Alport syndrome. Last evaluated: 2022-05-18. Review status: criteria provided, single submitter. Criteria: ACMG Guidelines, 2015. Collection method: clinical testing. Allele origin: unknown.

GeneDx
Classification: Likely benign. Last evaluated: 2021-05-28. Review status: criteria provided, single submitter. Criteria: GeneDx Variant Classification Process June 2021. Collection method: clinical testing. Allele origin: germline. Affected: yes.

PreventionGenetics, part of Exact Sciences
Classification: Likely benign for COL4A5-related condition. Last evaluated: 2022-06-14. Review status: no assertion criteria provided. Collection method: clinical testing. Allele origin: germline. Not counted in ClinVar's aggregate classification.
Comment: This variant is classified as likely benign based on ACMG/AMP sequence variant interpretation guidelines (Richards et al. 2015 PMID: 25741868, with internal and published modifications).

Natera, Inc.
Classification: Likely benign for X-linked Alport syndrome. Last evaluated: 2020-06-23. Review status: no assertion criteria provided. Collection method: clinical testing. Allele origin: germline. Not counted in ClinVar's aggregate classification.